The following is an entry in ClinVar:

NM_014251.3(SLC25A13):c.615+1G>A

Gene: SLC25A13 (solute carrier family 25 member 13; minus strand). Cytogenetic location: 7q21.3.
Variant type: single nucleotide variant.
Coding change: c.615+1G>A on transcript NM_014251.3 (MANE Select); the canonical splice donor site of the intron after coding-DNA position 615, G replaced by A.
Molecular consequence: splice donor variant.
Genome position (GRCh38, 1-based): chr7:96,193,036, C>T on the plus strand (G>A on the coding strand, the complement: SLC25A13 is on the minus strand). VCF-style: chr7-96193036-C-T. GRCh37 (hg19) VCF-style: chr7-95822348-C-T.
Other names: c.615+1G>A (NM_001160210.2).
Identifiers: ClinVar variation 2735056 (VCV002735056.4), dbSNP rs80338718, ClinGen allele CA368263260.

ClinVar aggregate classification (germline): Pathogenic. Review status: criteria provided, multiple submitters, no conflicts (2 of 4 stars). 2 submissions from 2 submitters: Pathogenic (2). Last evaluated 2023-12-02.

Conditions:
Citrin deficiency. Identifiers: Orphanet 247582, MedGen C1997910, MONDO:0016602.
Citrullinemia, type II, adult-onset (CDAA). Also called: CITRIN DEFICIENCY, ADOLESCENT OR ADULT ONSET. Identifiers: Orphanet 247585, MedGen CN295299, MONDO:0011326, OMIM 603471.

gnomAD v4.1: 3 of 1,613,946 alleles (0.00019%); highest among the groups gnomAD compares: Non-Finnish European, 0.00025%; no homozygotes.

Submissions (2):

Baylor Genetics
Classification: Pathogenic for Citrullinemia, type II, adult-onset. Last evaluated: 2023-12-02. Review status: criteria provided, single submitter. Criteria: ACMG Guidelines, 2015. Collection method: clinical testing. Allele origin: unknown.

Labcorp Genetics (formerly Invitae), Labcorp
Classification: Pathogenic for Citrin deficiency. Last evaluated: 2023-08-18. Review status: criteria provided, single submitter. Criteria: Invitae Variant Classification Sherloc (09022015). Collection method: clinical testing. Allele origin: germline.
Comment: This sequence change affects a donor splice site in intron 6 of the SLC25A13 gene. It is expected to disrupt RNA splicing. Variants that disrupt the donor or acceptor splice site typically lead to a loss of protein function (PMID: 16199547), and loss-of-function variants in SLC25A13 are known to be pathogenic (PMID: 10369257, 14680984, 27405544). This variant is not present in population databases (gnomAD no frequency). Disruption of this splice site has been observed in individual(s) with citrin deficiency (aka citrullinemia type II) (PMID: 18578996, 26858187). In at least one individual the data is consistent with being in trans (on the opposite chromosome) from a pathogenic variant. Algorithms developed to predict the effect of sequence changes on RNA splicing suggest that this variant may disrupt the consensus splice site. For these reasons, this variant has been classified as Pathogenic.

Literature cited by the submitters: PubMed 16199547 (cited by Labcorp Genetics (formerly Invitae), Labcorp); PubMed 10369257 (cited by Labcorp Genetics (formerly Invitae), Labcorp); PubMed 14680984 (cited by Labcorp Genetics (formerly Invitae), Labcorp); PubMed 27405544 (cited by Labcorp Genetics (formerly Invitae), Labcorp); PubMed 18578996 (cited by Labcorp Genetics (formerly Invitae), Labcorp); PubMed 26858187 (cited by Labcorp Genetics (formerly Invitae), Labcorp).